The following is an entry in ClinVar:

ClinVar aggregate classification (germline): Uncertain significance (1 of 4 stars; one submission).

Conditions:
Woodhouse-Sakati syndrome. Also called: Hypogonadism, Alopecia, Diabetes Mellitus, Mental Retardation, and Extrapyramidal Syndrome; Hypogonadism, diabetes mellitus, alopecia, mental retardation and electrocardiographic abnormalities; EXTRAPYRAMIDAL DISORDER, PROGRESSIVE, WITH PRIMARY HYPOGONADISM, MENTAL RETARDATION, AND ALOPECIA. Identifiers: Orphanet 3464, MedGen C0342286, MONDO:0009419, OMIM 241080.

Submission:

Labcorp Genetics (formerly Invitae), Labcorp
Classification: Uncertain significance for Woodhouse-Sakati syndrome. Last evaluated: 2023-10-13. Review status: criteria provided, single submitter. Criteria: Invitae Variant Classification Sherloc (09022015). Collection method: clinical testing. Allele origin: germline.
Comment: This sequence change replaces histidine, which is basic and polar, with leucine, which is neutral and non-polar, at codon 357 of the DCAF17 protein (p.His357Leu). This variant is not present in population databases (gnomAD no frequency). This variant has not been reported in the literature in individuals affected with DCAF17-related conditions. ClinVar contains an entry for this variant (Variation ID: 1990796). Advanced modeling of protein sequence and biophysical properties (such as structural, functional, and spatial information, amino acid conservation, physicochemical variation, residue mobility, and thermodynamic stability) performed at Invitae indicates that this missense variant is expected to disrupt DCAF17 protein function. In summary, the available evidence is currently insufficient to determine the role of this variant in disease. Therefore, it has been classified as a Variant of Uncertain Significance.

NM_025000.4(DCAF17):c.1070A>T (p.His357Leu)

Gene: DCAF17 (DDB1 and CUL4 associated factor 17; plus strand). Cytogenetic location: 2q31.1.
Variant type: single nucleotide variant.
Coding change: c.1070A>T on transcript NM_025000.4 (MANE Select); coding-DNA position 1070, A replaced by T.
Protein change: p.His357Leu; replaces histidine 357 with leucine.
Molecular consequence: missense variant. On other transcripts: non-coding transcript variant (1), intron variant (1).
Genome position (GRCh38, 1-based): chr2:171,473,954, A>T. VCF-style: chr2-171473954-A-T. GRCh37 (hg19) VCF-style: chr2-172330464-A-T.
Other names: c.982-4033A>T (NM_001164821.2); short protein forms H357L.
Identifiers: ClinVar variation 1990796 (VCV001990796.3), dbSNP rs890180094, ClinGen allele CA60647032.